The following is an entry in ClinVar:

ClinVar aggregate classification (germline): Uncertain significance (1 of 4 stars; one submission).

Conditions:
Hereditary nonpolyposis colorectal neoplasms. Identifiers: MedGen C0009405, MeSH D003123.

Allele frequency attached by ClinVar (database versions not stated): gnomAD exomes 0.00001.
gnomAD v4.1: 6 of 1,614,116 alleles (0.00037%); highest among the groups gnomAD compares: Non-Finnish European, 0.000085%; no homozygotes.

Submission:

Labcorp Genetics (formerly Invitae), Labcorp
Classification: Uncertain significance for Hereditary nonpolyposis colorectal neoplasms. Last evaluated: 2023-05-18. Review status: criteria provided, single submitter. Criteria: Invitae Variant Classification Sherloc (09022015). Collection method: clinical testing. Allele origin: germline.
Comment: In summary, the available evidence is currently insufficient to determine the role of this variant in disease. Therefore, it has been classified as a Variant of Uncertain Significance. Advanced modeling of protein sequence and biophysical properties (such as structural, functional, and spatial information, amino acid conservation, physicochemical variation, residue mobility, and thermodynamic stability) performed at Invitae indicates that this missense variant is not expected to disrupt PMS2 protein function. ClinVar contains an entry for this variant (Variation ID: 1363626). This variant has not been reported in the literature in individuals affected with PMS2-related conditions. This variant is present in population databases (no rsID available, gnomAD 0.01%). This sequence change replaces proline, which is neutral and non-polar, with alanine, which is neutral and non-polar, at codon 568 of the PMS2 protein (p.Pro568Ala).

NM_000535.7(PMS2):c.1702C>G (p.Pro568Ala)

Gene: PMS2 (PMS1 homolog 2, mismatch repair system component; minus strand). Cytogenetic location: 7p22.1.
Variant type: single nucleotide variant.
Coding change: c.1702C>G on transcript NM_000535.7 (MANE Select); coding-DNA position 1702, C replaced by G.
Protein change: p.Pro568Ala; replaces proline 568 with alanine.
Molecular consequence: missense variant. On other transcripts: non-coding transcript variant (1).
Genome position (GRCh38, 1-based): chr7:5,987,063, G>C on the plus strand (C>G on the coding strand, the complement: PMS2 is on the minus strand). VCF-style: chr7-5987063-G-C. GRCh37 (hg19) VCF-style: chr7-6026694-G-C.
Other names: c.1297C>G, p.Pro433Ala (NM_001322003.2, NM_001322004.2, NM_001322005.2 and 1 more transcripts); c.1546C>G, p.Pro516Ala (NM_001322006.2); c.1384C>G, p.Pro462Ala (NM_001322007.2, NM_001322008.2); c.1141C>G, p.Pro381Ala (NM_001322010.2); c.769C>G, p.Pro257Ala (NM_001322011.2, NM_001322012.2); c.1129C>G, p.Pro377Ala (NM_001322013.2); c.1702C>G, p.Pro568Ala (NM_001322014.2); c.1393C>G, p.Pro465Ala (NM_001322015.2); short protein forms P257A, P377A, P465A, P516A, P381A, P462A, P433A, P568A.
Identifiers: ClinVar variation 1363626 (VCV001363626.8), dbSNP rs786204115, ClinGen allele CA366741133.
Genomic context (GRCh38, chr7:5,987,063, plus strand): 5'-AACTGGAAAGAATTTCTTCTTTTTTAAAACGCTTTGTGTTTGGGGTTGCGAGATTAGTTG[G>C]CTGAGGCAAAACTCGAAATTTACATCCGGTATCTTCCTGGTTTGAATGGCAGTCCACATC-3'
Protein context (NP_000526.2, residues 558-578): TGCKFRVLPQ[Pro568Ala]TNLATPNTKR